The following is an entry in ClinVar:

ClinVar aggregate classification (germline): Uncertain significance (1 of 4 stars; one submission).

Conditions:
Gorlin syndrome. Also called: Nevoid Basal Cell Carcinoma Syndrome; Basal cell nevus syndrome. Identifiers: Orphanet 377, MedGen C0004779, MONDO:0007187.
Medulloblastoma (MDB). Also called: Medulloblastoma, somatic; MEDULLOBLASTOMA PREDISPOSITION SYNDROME. Identifiers: Orphanet 616, MedGen C0025149, MeSH D008527, MONDO:0007959, OMIM 155255, HP:0002885.

Submission:

Labcorp Genetics (formerly Invitae), Labcorp
Classification: Uncertain significance for Gorlin syndrome; Medulloblastoma. Last evaluated: 2025-02-09. Review status: criteria provided, single submitter. Criteria: Invitae Variant Classification Sherloc (09022015). Collection method: clinical testing. Allele origin: germline.
Comment: This sequence change replaces serine, which is neutral and polar, with asparagine, which is neutral and polar, at codon 157 of the SUFU protein (p.Ser157Asn). This variant is not present in population databases (gnomAD no frequency). This variant has not been reported in the literature in individuals affected with SUFU-related conditions. Invitae Evidence Modeling of protein sequence and biophysical properties (such as structural, functional, and spatial information, amino acid conservation, physicochemical variation, residue mobility, and thermodynamic stability) indicates that this missense variant is not expected to disrupt SUFU protein function with a negative predictive value of 80%. In summary, the available evidence is currently insufficient to determine the role of this variant in disease. Therefore, it has been classified as a Variant of Uncertain Significance.

NM_016169.4(SUFU):c.470G>A (p.Ser157Asn)

Gene: SUFU (SUFU negative regulator of hedgehog signaling; plus strand). Cytogenetic location: 10q24.32.
Variant type: single nucleotide variant.
Coding change: c.470G>A on transcript NM_016169.4 (MANE Select); coding-DNA position 470, G replaced by A.
Protein change: p.Ser157Asn; replaces serine 157 with asparagine.
Molecular consequence: missense variant.
Genome position (GRCh38, 1-based): chr10:102,592,597, G>A. VCF-style: chr10-102592597-G-A. GRCh37 (hg19) VCF-style: chr10-104352354-G-A.
Other names: c.470G>A, p.Ser157Asn (NM_001178133.2); short protein forms S157N.
Identifiers: ClinVar variation 4791660 (VCV004791660.1).